The following is an entry in ClinVar:

NM_014003.4(DHX38):c.2025C>T (p.Arg675=)

Gene: DHX38 (DEAH-box helicase 38; plus strand). Cytogenetic location: 16q22.2.
Variant type: single nucleotide variant.
Coding change: c.2025C>T on transcript NM_014003.4 (MANE Select); coding-DNA position 2025, C replaced by T.
Protein change: p.Arg675=; no amino-acid change (arginine 675 retained).
Molecular consequence: synonymous variant.
Genome position (GRCh38, 1-based): chr16:72,104,500, C>T. VCF-style: chr16-72104500-C-T. GRCh37 (hg19) VCF-style: chr16-72138399-C-T.
Other names: c.2025C>T (NM_014003.3).
Identifiers: ClinVar variation 1169531 (VCV001169531.14), dbSNP rs138088649, ClinGen allele CA8160502.

ClinVar aggregate classification (germline): Benign/Likely benign. Review status: criteria provided, multiple submitters, no conflicts (2 of 4 stars). 5 submissions from 5 submitters: Benign (1); Likely benign (2). 2 of the submissions do not count toward it. Last evaluated 2026-09-25.

Conditions:
DHX38-related disorder. Also called: DHX38-related condition.

Allele frequency attached by ClinVar (database versions not stated): ESP Exome Variant Server 0.00031; TOPMed 0.00039; gnomAD 0.00052 and 0.00054; gnomAD exomes 0.00067 and 0.00074; ExAC 0.00088.

Submissions (5):

PreventionGenetics, part of Exact Sciences
Classification: Likely benign for DHX38-related condition. Last evaluated: 2026-09-25. Review status: criteria provided, single submitter. Criteria: ACMG Guidelines, 2015. Collection method: clinical testing. Allele origin: germline.
Comment: This variant is classified as likely benign based on ACMG/AMP sequence variant interpretation guidelines (Richards et al. 2015 PMID: 25741868, with internal and published modifications).

Labcorp Genetics (formerly Invitae), Labcorp
Classification: Benign. Last evaluated: 2025-12-11. Review status: criteria provided, single submitter. Criteria: Invitae Variant Classification Sherloc (09022015). Collection method: clinical testing. Allele origin: germline.

Blueprint Genetics
Classification: Likely benign. Last evaluated: 2024-11-26. Review status: criteria provided, single submitter. Criteria: ACMG Guidelines, 2015. Collection method: clinical testing. Allele origin: germline.

Clinical Genetics DNA and cytogenetics Diagnostics Lab, Erasmus MC, Erasmus Medical Center
Classification: Likely benign. Review status: no assertion criteria provided. Collection method: clinical testing. Allele origin: germline. Affected: yes. Study: VKGL Data-share Consensus. Not counted in ClinVar's aggregate classification.

Clinical Genetics, Academic Medical Center
Classification: Likely benign. Review status: no assertion criteria provided. Collection method: clinical testing. Allele origin: germline. Affected: yes. Study: VKGL Data-share Consensus. Not counted in ClinVar's aggregate classification.